The following is an entry in ClinVar:

NM_003126.4(SPTA1):c.2425A>G (p.Ile809Val)

Gene: SPTA1 (spectrin alpha, erythrocytic 1; minus strand). Cytogenetic location: 1q23.1.
Variant type: single nucleotide variant.
Coding change: c.2425A>G on transcript NM_003126.4 (MANE Select); coding-DNA position 2425, A replaced by G.
Protein change: p.Ile809Val; replaces isoleucine 809 with valine.
Molecular consequence: missense variant.
Genome position (GRCh38, 1-based): chr1:158,662,741, T>C on the plus strand (A>G on the coding strand, the complement: SPTA1 is on the minus strand). VCF-style: chr1-158662741-T-C. GRCh37 (hg19) VCF-style: chr1-158632531-T-C.
Other names: short protein forms I809V.
Identifiers: ClinVar variation 258921 (VCV000258921.29), dbSNP rs7547313, ClinGen allele CA1183415.

ClinVar aggregate classification (germline): Benign. Review status: criteria provided, multiple submitters, no conflicts (2 of 4 stars). 8 submissions from 6 submitters: Benign (8). Last evaluated 2026-01-27.

Conditions:
Hereditary spherocytosis type 3. Also called: SPTA1-Related Spherocytosis; Spherocytosis type 3. Identifiers: Orphanet 822, MedGen C2678338, MONDO:0010053, OMIM 270970.
Elliptocytosis 2 (EL2). Also called: ELLIPTOCYTOSIS, RHESUS-UNLINKED TYPE. Identifiers: Orphanet 288, MedGen C1851741, MONDO:0007533, OMIM 130600.
Pyropoikilocytosis, hereditary. Also called: Pyropoikilocytosis. Identifiers: MedGen C0520739, MONDO:0009948, OMIM 266140, HP:0004839. Disease mechanism: loss of function.

Allele frequency attached by ClinVar (database versions not stated): 1000 Genomes Project 0.10304; gnomAD exomes 0.00899 and 0.02273; ExAC 0.02728; gnomAD 0.08586 and 0.09176; 1000 Genomes Project 30x 0.10837; ESP Exome Variant Server 0.09055; TOPMed 0.09612.
gnomAD v4.1: 26,848 of 1,613,840 alleles (1.7%); highest among the groups gnomAD compares: African/African-American, 30%; 3,506 homozygotes.

Submissions (8):

Labcorp Genetics (formerly Invitae), Labcorp
Classification: Benign. Last evaluated: 2026-01-27. Review status: criteria provided, single submitter. Criteria: Invitae Variant Classification Sherloc (09022015). Collection method: clinical testing. Allele origin: germline.

ARUP Laboratories, Molecular Genetics and Genomics, ARUP Laboratories
Classification: Benign. Last evaluated: 2025-07-28. Review status: criteria provided, single submitter. Criteria: ARUP Molecular Germline Variant Investigation Process 2024. Collection method: clinical testing. Allele origin: germline.

Illumina Laboratory Services, Illumina
Classification: Benign for Pyropoikilocytosis, hereditary. Last evaluated: 2018-01-13. Review status: criteria provided, single submitter. Criteria: ICSL Variant Classification Criteria 13 December 2019. Collection method: clinical testing. Allele origin: germline.
Comment: This variant was observed in the ICSL laboratory as part of a predisposition screen in an ostensibly healthy population. It had not been previously curated by ICSL or reported in the Human Gene Mutation Database (HGMD: prior to June 1st, 2018), and was therefore a candidate for classification through an automated scoring system. Utilizing variant allele frequency, disease prevalence and penetrance estimates, and inheritance mode, an automated score was calculated to assess if this variant is too frequent to cause the disease. Based on the score and internal cut-off values, a variant classified as benign is not then subjected to further curation. The score for this variant resulted in a classification of benign for this disease.

Illumina Laboratory Services, Illumina
Classification: Benign for Elliptocytosis 2. Last evaluated: 2018-01-13. Review status: criteria provided, single submitter. Criteria: ICSL Variant Classification Criteria 13 December 2019. Collection method: clinical testing. Allele origin: germline.
Comment: the same text as in the submission from Illumina Laboratory Services, Illumina above.

Illumina Laboratory Services, Illumina
Classification: Benign for Hereditary spherocytosis type 3. Last evaluated: 2018-01-13. Review status: criteria provided, single submitter. Criteria: ICSL Variant Classification Criteria 13 December 2019. Collection method: clinical testing. Allele origin: germline.
Comment: the same text as in the submission from Illumina Laboratory Services, Illumina above.

Mayo Clinic Laboratories, Mayo Clinic
Classification: Benign. Last evaluated: 2016-04-17. Review status: criteria provided, single submitter. Criteria: ACMG Guidelines, 2015. Collection method: clinical testing. Allele origin: germline. Observed: 307 variant alleles.

Breakthrough Genomics
Classification: Benign. Review status: criteria provided, single submitter. Criteria: ACMG Guidelines, 2015. Collection method: not provided. Allele origin: germline. Inheritance: Autosomal recessive inheritance. Affected: yes.

PreventionGenetics, part of Exact Sciences
Classification: Benign. Review status: criteria provided, single submitter. Criteria: ACMG Guidelines, 2015. Collection method: clinical testing. Allele origin: germline.